The following is an entry in ClinVar:

ClinVar aggregate classification (germline): Uncertain significance (1 of 4 stars; one submission).

gnomAD v4.1: 6 of 1,614,030 alleles (0.00037%); highest among the groups gnomAD compares: Non-Finnish European, 0.00042%; no homozygotes.

Submission:

Labcorp Genetics (formerly Invitae), Labcorp
Classification: Uncertain significance. Last evaluated: 2025-12-08. Review status: criteria provided, single submitter. Criteria: Invitae Variant Classification Sherloc (09022015). Collection method: clinical testing. Allele origin: germline.
Comment: This sequence change replaces alanine, which is neutral and non-polar, with threonine, which is neutral and polar, at codon 222 of the NANS protein (p.Ala222Thr). This variant is present in population databases (no rsID available, gnomAD 0.0009%). This variant has not been reported in the literature in individuals affected with NANS-related conditions. An algorithm developed to predict the effect of missense changes on protein structure and function (PolyPhen-2) suggests that this variant is likely to be tolerated. In summary, the available evidence is currently insufficient to determine the role of this variant in disease. Therefore, it has been classified as a Variant of Uncertain Significance.

NM_018946.4(NANS):c.664G>A (p.Ala222Thr)

Genes: NANS (N-acetylneuraminate synthase; plus strand), TRIM14 (tripartite motif containing 14; minus strand). Cytogenetic location: 9q22.33.
Variant type: single nucleotide variant.
Coding change: c.664G>A on transcript NM_018946.4 (MANE Select); coding-DNA position 664, G replaced by A.
Protein change: p.Ala222Thr; replaces alanine 222 with threonine.
Molecular consequence: missense variant.
Genome position (GRCh38, 1-based): chr9:98,080,876, G>A. VCF-style: chr9-98080876-G-A. GRCh37 (hg19) VCF-style: chr9-100843158-G-A.
Other names: short protein forms A222T.
Identifiers: ClinVar variation 4804424 (VCV004804424.1).
Genomic context (GRCh38, chr9:98,080,876, plus strand): 5'-GAATATCAGAAGCTCTTTCCTGACATTCCCATAGGGTATTCTGGGCATGAAACAGGCATA[G>A]CGATATCTGTGGCCGCAGTGGCTCTGGGGGCCAAGGTGTTGGAACGTCACATAACTTTGG-3'
Protein context (NP_061819.2, residues 212-232): IGYSGHETGI[Ala222Thr]ISVAAVALGA